The following is an entry in ClinVar:

ClinVar aggregate classification (germline): Likely pathogenic (1 of 4 stars; one submission).

Conditions:
Dilated cardiomyopathy 1G (CMD1G). Identifiers: Orphanet 154, MedGen C1858763, MONDO:0011400, OMIM 604145.
Autosomal recessive limb-girdle muscular dystrophy type 2J (LGMDR10). Also called: Limb-girdle muscular dystrophy, type 2J; MUSCULAR DYSTROPHY, LIMB-GIRDLE, AUTOSOMAL RECESSIVE 10. Identifiers: Orphanet 140922, MedGen C1837342, MONDO:0012127, OMIM 608807.

gnomAD v4.1: 1 of 1,587,278 alleles (0.000063%); highest among the groups gnomAD compares: Non-Finnish European, 0.000085%; no homozygotes.

Submission:

Labcorp Genetics (formerly Invitae), Labcorp
Classification: Likely pathogenic for Dilated cardiomyopathy 1G; Autosomal recessive limb-girdle muscular dystrophy type 2J. Last evaluated: 2023-09-08. Review status: criteria provided, single submitter. Criteria: Invitae Variant Classification Sherloc (09022015). Collection method: clinical testing. Allele origin: germline.
Comment: In summary, the currently available evidence indicates that the variant is pathogenic, but additional data are needed to prove that conclusively. Therefore, this variant has been classified as Likely Pathogenic. This variant is located in the M band of TTN (PMID: 25589632). Variants in this region may be relevant for neuromuscular disorders, but have not been definitively shown to cause cardiomyopathy (PMID: 23975875). Variants that disrupt the consensus splice site are a relatively common cause of aberrant splicing (PMID: 17576681, 9536098). Studies have shown that this missense change results in skipping of exon 360 and introduces a premature termination codon (PMID: 33127292). The resulting mRNA is expected to undergo nonsense-mediated decay. This missense change has been observed in individual(s) with TTN-related conditions (PMID: 33127292). In at least one individual the data is consistent with being in trans (on the opposite chromosome) from a pathogenic variant. This variant is present in population databases (rs768786354, gnomAD 0.0009%). This sequence change replaces alanine, which is neutral and non-polar, with proline, which is neutral and non-polar, at codon 35511 of the TTN protein (p.Ala35511Pro). RNA analysis indicates that this missense change induces altered splicing and may result in an absent or disrupted protein product.

Literature cited by the submitters: PubMed 25589632; PubMed 23975875; PubMed 17576681; PubMed 9536098; PubMed 33127292.

NM_001267550.2(TTN):c.106531G>C (p.Ala35511Pro)

Genes: TTN (titin; minus strand), TTN-AS1 (TTN antisense RNA 1; plus strand). Cytogenetic location: 2q31.2.
Variant type: single nucleotide variant.
Coding change: c.106531G>C on transcript NM_001267550.2 (MANE Select); coding-DNA position 106531, G replaced by C.
Protein change: p.Ala35511Pro; replaces alanine 35511 with proline.
Molecular consequence: missense variant.
Genome position (GRCh38, 1-based): chr2:178,529,960, C>G on the plus strand (G>C on the coding strand, the complement: TTN is on the minus strand). VCF-style: chr2-178529960-C-G. GRCh37 (hg19) VCF-style: chr2-179394687-C-G.
Other names: c.101608G>C, p.Ala33870Pro (NM_001256850.1); c.79336G>C, p.Ala26446Pro (NM_003319.4); c.98827G>C, p.Ala32943Pro (NM_133378.4); c.79711G>C, p.Ala26571Pro (NM_133432.3); c.79912G>C, p.Ala26638Pro (NM_133437.4); short protein forms A26638P, A26446P, A32943P, A33870P, A35511P, A26571P.
Identifiers: ClinVar variation 2927174 (VCV002927174.3), dbSNP rs768786354, ClinGen allele CA1985093.